The following is an entry in ClinVar:

NM_007186.6(CEP250):c.4944T>G (p.His1648Gln)

Gene: CEP250 (centrosomal protein 250; plus strand). Cytogenetic location: 20q11.22.
Variant type: single nucleotide variant.
Coding change: c.4944T>G on transcript NM_007186.6 (MANE Select); coding-DNA position 4944, T replaced by G.
Protein change: p.His1648Gln; replaces histidine 1648 with glutamine.
Molecular consequence: missense variant.
Genome position (GRCh38, 1-based): chr20:35,503,313, T>G. VCF-style: chr20-35503313-T-G. GRCh37 (hg19) VCF-style: chr20-34091141-T-G.
Other names: c.3048T>G, p.His1016Gln (NM_001318219.1); short protein forms H1016Q, H1648Q.
Identifiers: ClinVar variation 2002767 (VCV002002767.4), dbSNP rs1601297813, ClinGen allele CA408750010.

ClinVar aggregate classification (germline): Uncertain significance (1 of 4 stars; one submission).

Allele frequency attached by ClinVar (database versions not stated): gnomAD exomes below 0.00001.
gnomAD v4.1: 1 of 1,613,928 alleles (0.000062%); highest among the groups gnomAD compares: Admixed American, 0.0017%; no homozygotes.

Submission:

Labcorp Genetics (formerly Invitae), Labcorp
Classification: Uncertain significance. Last evaluated: 2022-06-08. Review status: criteria provided, single submitter. Criteria: Invitae Variant Classification Sherloc (09022015). Collection method: clinical testing. Allele origin: germline.
Comment: Algorithms developed to predict the effect of missense changes on protein structure and function output the following: SIFT: "Not Available"; PolyPhen-2: "Benign"; Align-GVGD: "Not Available". The glutamine amino acid residue is found in multiple mammalian species, which suggests that this missense change does not adversely affect protein function. This variant has not been reported in the literature in individuals affected with CEP250-related conditions. This variant is not present in population databases (gnomAD no frequency). This sequence change replaces histidine, which is basic and polar, with glutamine, which is neutral and polar, at codon 1648 of the CEP250 protein (p.His1648Gln). In summary, the available evidence is currently insufficient to determine the role of this variant in disease. Therefore, it has been classified as a Variant of Uncertain Significance.